The following is an entry in ClinVar:

NM_000038.6(APC):c.3571C>G (p.Gln1191Glu)

Gene: APC (APC regulator of Wnt signaling pathway; plus strand). Cytogenetic location: 5q22.2.
Variant type: single nucleotide variant.
Coding change: c.3571C>G on transcript NM_000038.6 (MANE Select); coding-DNA position 3571, C replaced by G.
Protein change: p.Gln1191Glu; replaces glutamine 1191 with glutamic acid.
Molecular consequence: missense variant.
Genome position (GRCh38, 1-based): chr5:112,839,165, C>G. VCF-style: chr5-112839165-C-G. GRCh37 (hg19) VCF-style: chr5-112174862-C-G.
Other names: c.3571C>G, p.Gln1191Glu (NM_001127510.3, NM_001354895.2, NM_001407450.1); c.3517C>G, p.Gln1173Glu (NM_001127511.3); c.3625C>G, p.Gln1209Glu (NM_001354896.2, NM_001407447.1, NM_001407448.1 and 1 more transcripts); c.3601C>G, p.Gln1201Glu (NM_001354897.2); c.3496C>G, p.Gln1166Glu (NM_001354898.2); c.3487C>G, p.Gln1163Glu (NM_001354899.2); c.3448C>G, p.Gln1150Glu (NM_001354900.2); c.3394C>G, p.Gln1132Glu (NM_001354901.2, NM_001407453.1); and 11 more; short protein forms Q1150E, Q1163E, Q1181E, Q1209E, Q1184E, Q1031E, Q1062E, Q1100E.
Identifiers: ClinVar variation 1732804 (VCV001732804.2), dbSNP rs1114167547, ClinGen allele CA16029175.

ClinVar aggregate classification (germline): Uncertain significance (1 of 4 stars; one submission).

Conditions:
Hereditary cancer-predisposing syndrome. Also called: Neoplastic Syndromes, Hereditary; Tumor predisposition; Hereditary Cancer Syndrome; Hereditary neoplastic syndrome. Identifiers: Orphanet 140162, MedGen C0027672, MeSH D009386, MONDO:0015356.

Submission:

Ambry Genetics
Classification: Uncertain significance for Hereditary cancer-predisposing syndrome. Last evaluated: 2022-07-21. Review status: criteria provided, single submitter. Criteria: Ambry Variant Classification Scheme 2023. Collection method: clinical testing. Allele origin: germline.
Comment: The p.Q1191E variant (also known as c.3571C>G), located in coding exon 15 of the APC gene, results from a C to G substitution at nucleotide position 3571. The glutamine at codon 1191 is replaced by glutamic acid, an amino acid with highly similar properties. This amino acid position is conserved. In addition, in silico predictors for this gene do not accurately predict pathogenicity. Since supporting evidence is limited at this time, the clinical significance of this alteration remains unclear.